The following is an entry in ClinVar:

NM_001330360.2(POLA1):c.1765T>C (p.Phe589Leu)

Gene: POLA1 (DNA polymerase alpha 1, catalytic subunit; plus strand). Cytogenetic location: Xp22.11.
Variant type: single nucleotide variant.
Coding change: c.1765T>C on transcript NM_001330360.2 (MANE Select); coding-DNA position 1765, T replaced by C.
Protein change: p.Phe589Leu; replaces phenylalanine 589 with leucine.
Molecular consequence: missense variant. On other transcripts: non-coding transcript variant (2).
Genome position (GRCh38, 1-based): chrX:24,732,448, T>C. VCF-style: chrX-24732448-T-C. GRCh37 (hg19) VCF-style: chrX-24750565-T-C.
Other names: c.1690T>C, p.Phe564Leu (NM_001378303.1); c.1747T>C, p.Phe583Leu (NM_016937.4); short protein forms F564L, F583L, F589L.
Identifiers: ClinVar variation 3906410 (VCV003906410.1).
Genomic context (GRCh38, chrX:24,732,448, plus strand): 5'-TTGGTCCATCACAGTTTTGCATTGGATAAAGCAGCCCCAAAGCCTCCCTTTCAGTCACAC[T>C]TCTGTGGTATGTATTTTTTTTTAAGCTGGCTTACTAACAGCTTGATTTGAATTTCCTTAT-3'
Protein context (NP_001317289.1, residues 579-599): AAPKPPFQSH[Phe589Leu]CVVSKPKDCI

ClinVar aggregate classification (germline): Uncertain significance (1 of 4 stars; one submission).

Submission:

GeneDx
Classification: Uncertain significance. Last evaluated: 2024-12-21. Review status: criteria provided, single submitter. Criteria: GeneDx Variant Classification Process June 2021. Collection method: clinical testing. Allele origin: germline. Affected: yes.
Comment: Not observed at significant frequency in large population cohorts (gnomAD); In silico analysis supports that this missense variant has a deleterious effect on protein structure/function; Has not been previously published as pathogenic or benign to our knowledge